The following is an entry in ClinVar:

GRCh37/hg19 3q26.32(chr3:176670986-176807882)x1

Gene: TBL1XR1 (TBL1X/Y related 1; minus strand). Cytogenetic location: 3q26.32.
Variant type: copy number loss.
Change: copy number 1 (one copy instead of two) of chr3:176,670,986-176,807,882 (136.9 kb, GRCh37 coordinates, 1-based), cytogenetic band 3q26.32.
Identifiers: ClinVar variation 2685097 (VCV002685097.1).

ClinVar aggregate classification (germline): Pathogenic (1 of 4 stars; one submission).

Submission:

Quest Diagnostics Nichols Institute San Juan Capistrano
Classification: Pathogenic. Last evaluated: 2022-09-14. Review status: criteria provided, single submitter. Criteria: ACMG/ClinGen CNV Guidelines, 2019. Collection method: clinical testing. Allele origin: unknown.
Comment: The copy number loss of 3q26.32 involves TBL1XR1 (OMIM 608628). Haploinsufficiency of TBL1XR1 is associated with autosomal dominant intellectual developmental disorder-41 (MRD41; OMIM 616944). Multiple reports of individuals with copy number losses of TBL1XR1 show variable phenotypes (Pons 2015, Tabet 2014, Vaqueiro 2018). As there are no similar copy number losses of this region in the general populations of the Database of Genomic Variants, the classification of this copy number variant (CNV) is pathogenic. References: Pons et al., Am J Med Genet A. 2015 Jan;167A(1):164-8. PMID: 25425123 Tabet et al., Am J Med Genet A. 2014 Sep;164A(9):2335-7. PMID: 24891185 Vaqueiro et al., Eur J Med Genet. 2018 Jan;61(1):29-33. PMID: 29038029